The following is an entry in ClinVar:

NM_000282.4(PCCA):c.659C>A (p.Ala220Asp)

Gene: PCCA (propionyl-CoA carboxylase subunit alpha; plus strand). Cytogenetic location: 13q32.3.
Variant type: single nucleotide variant.
Coding change: c.659C>A on transcript NM_000282.4 (MANE Select); coding-DNA position 659, C replaced by A.
Protein change: p.Ala220Asp; replaces alanine 220 with aspartic acid.
Molecular consequence: missense variant. On other transcripts: non-coding transcript variant (5), intron variant (3).
Genome position (GRCh38, 1-based): chr13:100,257,616, C>A. VCF-style: chr13-100257616-C-A. GRCh37 (hg19) VCF-style: chr13-100909870-C-A.
Other names: c.581C>A, p.Ala194Asp (NM_001127692.3, NM_001352607.2, NM_001352608.2); c.659C>A, p.Ala220Asp (NM_001178004.2, NM_001352605.2, NM_001352606.2 and 1 more transcripts); c.-229-5113C>A (NM_001352610.2, NM_001352611.2, NM_001352612.2); short protein forms A220D, A194D.
Identifiers: ClinVar variation 553867 (VCV000553867.7), dbSNP rs1555396108, ClinGen allele CA388694077.

ClinVar aggregate classification (germline): Likely pathogenic. Review status: criteria provided, single submitter (1 of 4 stars). 2 submissions from 2 submitters: Likely pathogenic (1). 1 of the submissions does not count toward it. Last evaluated 2022-06-09.

Conditions:
Propionic acidemia (PROP). Also called: GLYCINEMIA, KETOTIC; HYPERGLYCINEMIA WITH KETOACIDOSIS AND LEUKOPENIA; KETOTIC HYPERGLYCINEMIA. Identifiers: Orphanet 35, MedGen C0268579, MONDO:0011628, OMIM 606054, HP:0003571.

Submissions (2):

Labcorp Genetics (formerly Invitae), Labcorp
Classification: Likely pathogenic for Propionic acidemia. Last evaluated: 2022-06-09. Review status: criteria provided, single submitter. Criteria: Invitae Variant Classification Sherloc (09022015). Collection method: clinical testing. Allele origin: germline.
Comment: In summary, the currently available evidence indicates that the variant is pathogenic, but additional data are needed to prove that conclusively. Therefore, this variant has been classified as Likely Pathogenic. Advanced modeling of protein sequence and biophysical properties (such as structural, functional, and spatial information, amino acid conservation, physicochemical variation, residue mobility, and thermodynamic stability) performed at Invitae indicates that this missense variant is expected to disrupt PCCA protein function. ClinVar contains an entry for this variant (Variation ID: 553867). This missense change has been observed in individual(s) with propionic acidemia (PMID: 22033733). This variant is not present in population databases (gnomAD no frequency). This sequence change replaces alanine, which is neutral and non-polar, with aspartic acid, which is acidic and polar, at codon 220 of the PCCA protein (p.Ala220Asp).

Counsyl
Classification: Uncertain significance for Propionic acidemia. Last evaluated: 2017-09-15. Review status: no assertion criteria provided. Collection method: clinical testing. Allele origin: unknown. Not counted in ClinVar's aggregate classification.

Literature cited by the submitters: PubMed 22033733 (cited by Labcorp Genetics (formerly Invitae), Labcorp and Counsyl).